The following is an entry in ClinVar:

ClinVar aggregate classification (germline): Uncertain significance (1 of 4 stars; one submission).

Conditions:
Hypertrophic cardiomyopathy. Also called: HYPERTROPHIC MYOCARDIOPATHY. Identifiers: Orphanet 217569, MedGen C0007194, MeSH D002312, MONDO:0005045, HP:0001639.

gnomAD v4.1: 1 of 1,614,144 alleles (0.000062%); highest among the groups gnomAD compares: Non-Finnish European, 0.000085%; no homozygotes.

Submission:

All of Us Research Program, National Institutes of Health
Classification: Uncertain significance for Hypertrophic cardiomyopathy. Last evaluated: 2024-07-20. Review status: criteria provided, single submitter. Criteria: ACMG Guidelines, 2015. Collection method: clinical testing. Allele origin: germline. Inheritance: Autosomal dominant inheritance. Observed: 2 variant alleles, 2 heterozygotes.
Comment: This missense variant replaces threonine with asparagine at codon 72 of the MYL3 protein. Computational prediction suggests that this variant may not impact protein structure and function (internally defined REVEL score threshold <= 0.5, PMID: 27666373). To our knowledge, functional studies have not been reported for this variant. This variant has not been reported in individuals affected with MYL3-related disorders in the literature. This variant has not been identified in the general population by the Genome Aggregation Database (gnomAD). The available evidence is insufficient to determine the role of this variant in disease conclusively. Therefore, this variant is classified as a Variant of Uncertain Significance.

This study involves interpretation of variants in research participants for the purpose of population health screening. Participant phenotype was not available at the time of variant classification. Additional details can be found in publication PMID: 35346344, PMCID: PMC8962531

NM_000258.3(MYL3):c.215C>A (p.Thr72Asn)

Gene: MYL3 (myosin light chain 3; minus strand). Cytogenetic location: 3p21.31.
Variant type: single nucleotide variant.
Coding change: c.215C>A on transcript NM_000258.3 (MANE Select); coding-DNA position 215, C replaced by A.
Protein change: p.Thr72Asn; replaces threonine 72 with asparagine.
Molecular consequence: missense variant.
Genome position (GRCh38, 1-based): chr3:46,860,768, G>T on the plus strand (C>A on the coding strand, the complement: MYL3 is on the minus strand). VCF-style: chr3-46860768-G-T. GRCh37 (hg19) VCF-style: chr3-46902258-G-T.
Other names: c.215C>A, p.Thr72Asn (NM_001406937.1, NM_001406938.1, NM_001406939.1); c.41C>A, p.Thr14Asn (NM_001406940.1, NM_001406941.1); short protein forms T14N, T72N.
Identifiers: ClinVar variation 3071517 (VCV003071517.2), dbSNP rs2544967197, ClinGen allele CA352498386.